The following is an entry in ClinVar:

NM_175875.5(SIX5):c.1463_1483dup (p.Leu494_Gln495insProGlnAlaValGlyProLeu)

Gene: SIX5 (SIX homeobox 5; minus strand). Cytogenetic location: 19q13.32.
Variant type: Duplication.
Coding change: c.1463_1483dup on transcript NM_175875.5 (MANE Select); coding-DNA positions 1463 to 1483, 21 bases duplicated (CCCAGGCTGTGGGGCCCCTGC).
Protein change: p.Leu494_Gln495insProGlnAlaValGlyProLeu.
Molecular consequence: inframe insertion.
Genome position (GRCh38, 1-based): chr19:45,766,476-45,766,496, GCAGGGGCCCCACAGCCTGGG duplicated on the plus strand (CCCAGGCTGTGGGGCCCCTGC on the coding strand, the reverse complement: SIX5 is on the minus strand); duplicating any 21 consecutive bases within chr19:45,766,476-45,766,502 gives the same sequence; the c. name uses the placement nearest the transcript's 3' end. VCF-style (leftmost placement, unchanged base first): chr19-45766475-T-TGCAGGGGCCCCACAGCCTGGG. GRCh37 (hg19) VCF-style: chr19-46269733-T-TGCAGGGGCCCCACAGCCTGGG.
Identifiers: ClinVar variation 2194082 (VCV002194082.4), dbSNP rs1392853698, ClinGen allele CA633481749.

ClinVar aggregate classification (germline): Uncertain significance (1 of 4 stars; one submission).

Submission:

Labcorp Genetics (formerly Invitae), Labcorp
Classification: Uncertain significance. Last evaluated: 2023-04-13. Review status: criteria provided, single submitter. Criteria: Invitae Variant Classification Sherloc (09022015). Collection method: clinical testing. Allele origin: germline.
Comment: ClinVar contains an entry for this variant (Variation ID: 2194082). In summary, the available evidence is currently insufficient to determine the role of this variant in disease. Therefore, it has been classified as a Variant of Uncertain Significance. This variant is present in population databases (no rsID available, gnomAD 0.002%). This variant, c.1463_1483dup, results in the insertion of 7 amino acid(s) of the SIX5 protein (p.Pro488_Leu494dup), but otherwise preserves the integrity of the reading frame. This variant has not been reported in the literature in individuals affected with SIX5-related conditions.